The following is an entry in ClinVar:

NM_144670.6(A2ML1):c.2486C>T (p.Ser829Leu)

Gene: A2ML1 (alpha-2-macroglobulin like 1; plus strand). Cytogenetic location: 12p13.31.
Variant type: single nucleotide variant.
Coding change: c.2486C>T on transcript NM_144670.6 (MANE Select); coding-DNA position 2486, C replaced by T.
Protein change: p.Ser829Leu; replaces serine 829 with leucine.
Molecular consequence: missense variant.
Genome position (GRCh38, 1-based): chr12:8,852,232, C>T. VCF-style: chr12-8852232-C-T. GRCh37 (hg19) VCF-style: chr12-9004828-C-T.
Other names: c.1013C>T, p.Ser338Leu (NM_001282424.3); c.2486C>T (NM_144670.5); short protein forms S338L, S829L.
Identifiers: ClinVar variation 933220 (VCV000933220.7), dbSNP rs758305694, ClinGen allele CA6436031.
Genomic context (GRCh38, chr12:8,852,232, plus strand): 5'-TTTGTTTGTACCCTTTGTCTCTTAAACATCCTCCGTAGGTTCAGACTGACCTGGCTAAAT[C>T]GCATGAGTACCAGCTAGAATCATGGGCAGATTCTCAGACCTCCAGTTGTCTCTGTGCTGA-3'
Protein context (NP_653271.3, residues 819-839): CIRVQTDLAK[Ser829Leu]HEYQLESWAD

ClinVar aggregate classification (germline): Conflicting classifications of pathogenicity. Review status: criteria provided, conflicting classifications (1 of 4 stars). 3 submissions from 3 submitters: Uncertain significance (2); Likely benign (1). Last evaluated 2025-04-10.

Allele frequency attached by ClinVar (database versions not stated): gnomAD 0.00004 and 0.00005; gnomAD exomes 0.00004; TOPMed 0.00006.
gnomAD v4.1: 78 of 1,614,026 alleles (0.0048%); highest among the groups gnomAD compares: Non-Finnish European, 0.0058%; 1 homozygote.

Submissions (3):

Labcorp Genetics (formerly Invitae), Labcorp
Classification: Uncertain significance. Last evaluated: 2025-04-10. Review status: criteria provided, single submitter. Criteria: Invitae Variant Classification Sherloc (09022015). Collection method: clinical testing. Allele origin: germline.
Comment: This sequence change replaces serine, which is neutral and polar, with leucine, which is neutral and non-polar, at codon 829 of the A2ML1 protein (p.Ser829Leu). This variant is present in population databases (rs758305694, gnomAD 0.009%). This missense change has been observed in individual(s) with clinical features of Noonan syndrome (PMID: 33082526). ClinVar contains an entry for this variant (Variation ID: 933220). An algorithm developed to predict the effect of missense changes on protein structure and function (PolyPhen-2) suggests that this variant is likely to be tolerated. In summary, the available evidence is currently insufficient to determine the role of this variant in disease. Therefore, it has been classified as a Variant of Uncertain Significance.

Women's Health and Genetics/Laboratory Corporation of America, LabCorp
Classification: Likely benign. Last evaluated: 2023-05-30. Review status: criteria provided, single submitter. Criteria: LabCorp Variant Classification Summary - May 2015. Collection method: clinical testing. Allele origin: germline.
Comment: Variant summary: A2ML1 c.2486C>T (p.Ser829Leu) results in a non-conservative amino acid change in the encoded protein sequence. Three of five in-silico tools predict a damaging effect of the variant on protein function. The variant allele was found at a frequency of 4.4e-05 in 249468 control chromosomes. The observed variant frequency is approximately 11 fold of the estimated maximal expected allele frequency for a pathogenic variant in A2ML1 causing Noonan Syndrome phenotype (4e-06), strongly suggesting that the variant is benign. c.2486C>T has been reported in the literature in individuals affected with Noonan Syndrome (Brinkman_2021), but also observed in the unaffected father. These data do not allow any conclusion about variant significance. To our knowledge, no experimental evidence demonstrating an impact on protein function has been reported. The following publication have been ascertained in the context of this evaluation (PMID: 33082526). Two clinical diagnostic laboratories have submitted clinical-significance assessments for this variant to ClinVar after 2014 and classified the variant as uncertain significance. Based on the evidence outlined above, the variant was classified as likely benign.

Department of Human Genetics, University Hospital Magdeburg
Classification: Uncertain significance. Last evaluated: 2020-07-09. Review status: criteria provided, single submitter. Criteria: ACMG Guidelines, 2015. Collection method: clinical testing. Allele origin: paternal. Inheritance: Autosomal dominant inheritance. Observed: 1 variant allele.

Literature cited by the submitters: PubMed 33082526 (cited by Labcorp Genetics (formerly Invitae), Labcorp and Women's Health and Genetics/Laboratory Corporation of America, LabCorp).